The following is an entry in ClinVar:

ClinVar aggregate classification (germline): Uncertain significance (1 of 4 stars; one submission).

gnomAD v4.1: 14 of 1,610,316 alleles (0.00087%); highest among the groups gnomAD compares: South Asian, 0.0022%; no homozygotes.

Submission:

Labcorp Genetics (formerly Invitae), Labcorp
Classification: Uncertain significance. Last evaluated: 2024-10-22. Review status: criteria provided, single submitter. Criteria: Invitae Variant Classification Sherloc (09022015). Collection method: clinical testing. Allele origin: germline.
Comment: This sequence change replaces serine, which is neutral and polar, with leucine, which is neutral and non-polar, at codon 305 of the CUL7 protein (p.Ser305Leu). This variant is not present in population databases (gnomAD no frequency). This variant has not been reported in the literature in individuals affected with CUL7-related conditions. An algorithm developed to predict the effect of missense changes on protein structure and function (PolyPhen-2) suggests that this variant is likely to be disruptive. In summary, the available evidence is currently insufficient to determine the role of this variant in disease. Therefore, it has been classified as a Variant of Uncertain Significance.

NM_014780.5(CUL7):c.914C>T (p.Ser305Leu)

Gene: CUL7 (cullin 7; minus strand). Cytogenetic location: 6p21.1.
Variant type: single nucleotide variant.
Coding change: c.914C>T on transcript NM_014780.5 (MANE Select); coding-DNA position 914, C replaced by T.
Protein change: p.Ser305Leu; replaces serine 305 with leucine.
Molecular consequence: missense variant.
Genome position (GRCh38, 1-based): chr6:43,051,287, G>A on the plus strand (C>T on the coding strand, the complement: CUL7 is on the minus strand). VCF-style: chr6-43051287-G-A. GRCh37 (hg19) VCF-style: chr6-43019025-G-A.
Other names: c.1010C>T, p.Ser337Leu (NM_001168370.2, NM_001374872.1); c.914C>T, p.Ser305Leu (NM_001374873.1, NM_001374874.1); short protein forms S305L, S337L.
Identifiers: ClinVar variation 3625267 (VCV003625267.2).